The following is an entry in ClinVar:

ClinVar aggregate classification (germline): Pathogenic/Likely pathogenic. Review status: criteria provided, multiple submitters, no conflicts (2 of 4 stars). 2 submissions from 2 submitters: Pathogenic (1); Likely pathogenic (1). Last evaluated 2026-01-21.

Conditions:
Familial adenomatous polyposis 1 (FAP1). Also called: FAMILIAL ADENOMATOUS POLYPOSIS 1, ATTENUATED; POLYPOSIS, ADENOMATOUS INTESTINAL. Identifiers: MedGen C2713442, MONDO:0021056, OMIM 175100. Disease mechanism: loss of function.
Inherited polyposis and early onset colorectal cancer - germline testing.

Submissions (2):

Genomics and Molecular Medicine Service, East Genomic Laboratory Hub, NHS Genomic Medicine Service
Classification: Likely pathogenic for Inherited polyposis and early onset colorectal cancer - germline testing. Last evaluated: 2026-01-21. Review status: criteria provided, single submitter. Criteria: ACGS Best Practice Guidelines for Variant Classification in Rare Disease 2020. Collection method: clinical testing. Allele origin: germline. Affected: yes.
Comment: PVS1,PM2_Supporting

Labcorp Genetics (formerly Invitae), Labcorp
Classification: Pathogenic for Familial adenomatous polyposis 1. Last evaluated: 2025-06-10. Review status: criteria provided, single submitter. Criteria: Invitae Variant Classification Sherloc (09022015). Collection method: clinical testing. Allele origin: germline.
Comment: This sequence change creates a premature translational stop signal (p.Asp1994Thrfs*50) in the APC gene. While this is not anticipated to result in nonsense mediated decay, it is expected to disrupt the last 850 amino acid(s) of the APC protein. This variant is not present in population databases (gnomAD no frequency). This variant has not been reported in the literature in individuals affected with APC-related conditions. ClinVar contains an entry for this variant (Variation ID: 838960). This variant is expected to disrupt the EB1 and HDLG binding sites, which mediate interactions with the cytoskeleton (PMID: 15311282, 17293347). While functional studies have not been performed to directly test the effect on APC protein function, this suggests that disruption of the C-terminal portion of the protein is functionally important. A different truncation (p.Tyr2645Lysfs*14) that lies downstream of this variant has been determined to be pathogenic (PMID: 9824584, 1316610, 27081525, 8381579, 22135120, internal data). This suggests that deletion of this region of the APC protein is causative of disease. For these reasons, this variant has been classified as Pathogenic.

Literature cited by the submitters: PubMed 15311282 (cited by Labcorp Genetics (formerly Invitae), Labcorp); PubMed 17293347 (cited by Labcorp Genetics (formerly Invitae), Labcorp); PubMed 9824584 (cited by Labcorp Genetics (formerly Invitae), Labcorp); PubMed 1316610 (cited by Labcorp Genetics (formerly Invitae), Labcorp); PubMed 27081525 (cited by Labcorp Genetics (formerly Invitae), Labcorp); PubMed 8381579 (cited by Labcorp Genetics (formerly Invitae), Labcorp); PubMed 22135120 (cited by Labcorp Genetics (formerly Invitae), Labcorp).

NM_000038.6(APC):c.5979del (p.Asp1994fs)

Gene: APC (APC regulator of Wnt signaling pathway; plus strand). Cytogenetic location: 5q22.2.
Variant type: Deletion.
Coding change: c.5979del on transcript NM_000038.6 (MANE Select); coding-DNA position 5979, one base deleted (T; older notation c.5979delT).
Protein change: p.Asp1994fs; shifts the reading frame from aspartic acid 1994.
Molecular consequence: frameshift variant.
Genome position (GRCh38, 1-based): chr5:112,841,573, T deleted. VCF-style (leftmost placement, unchanged base first): chr5-112841572-CT-C. GRCh37 (hg19) VCF-style: chr5-112177269-CT-C.
Other names: c.5979del, p.Asp1994fs (NM_001127510.3, NM_001354895.2); c.5925del, p.Asp1976fs (NM_001127511.3); c.6033del, p.Asp2012fs (NM_001354896.2); c.6009del, p.Asp2004fs (NM_001354897.2); c.5904del, p.Asp1969fs (NM_001354898.2); c.5895del, p.Asp1966fs (NM_001354899.2); c.5856del, p.Asp1953fs (NM_001354900.2); c.5802del, p.Asp1935fs (NM_001354901.2); and 5 more; short protein forms D1903fs, D1953fs, D1994fs, D1711fs, D1834fs, D1868fs, D1976fs, D2012fs.
Identifiers: ClinVar variation 838960 (VCV000838960.50), dbSNP rs1766105693, ClinGen allele CA916079927.